The following is an entry in ClinVar:

ClinVar aggregate classification (germline): Uncertain significance (1 of 4 stars; one submission).

Conditions:
Hearing loss, autosomal recessive 119. Also called: DEAFNESS, AUTOSOMAL RECESSIVE 119. Identifiers: MedGen C5562023, MONDO:0030480, OMIM 619615.
Neurodevelopmental disorder with hearing loss and spasticity. Identifiers: Orphanet 659975, MedGen C5562024, MONDO:0859206, OMIM 619616.

Submission:

Juno Genomics, Hangzhou Juno Genomics, Inc
Classification: Uncertain significance for Hearing loss, autosomal recessive 119; Neurodevelopmental disorder with hearing loss and spasticity. Review status: criteria provided, single submitter. Criteria: ACMG Guidelines, 2015. Collection method: clinical testing. Allele origin: germline.
Comment: Absent from controls (or at extremely low frequency if recessive) in Genome Aggregation Database.;Multiple lines of computational evidence support a deleterious effect on the gene or gene product.

NM_024063.3(AFG2B):c.1811G>C (p.Arg604Thr)

Gene: AFG2B (AAA ATPase AFG2B; plus strand). Cytogenetic location: 15q21.1.
Variant type: single nucleotide variant.
Coding change: c.1811G>C on transcript NM_024063.3 (MANE Select); coding-DNA position 1811, G replaced by C.
Protein change: p.Arg604Thr; replaces arginine 604 with threonine.
Molecular consequence: missense variant. On other transcripts: non-coding transcript variant (5).
Genome position (GRCh38, 1-based): chr15:45,415,753, G>C. VCF-style: chr15-45415753-G-C. GRCh37 (hg19) VCF-style: chr15-45707951-G-C.
Other names: c.1811G>C, p.Arg604Thr (NM_001323640.2); short protein forms R604T.
Identifiers: ClinVar variation 5005418 (VCV005005418.2).